The following is an entry in ClinVar:

NM_012268.4(PLD3):c.489C>G (p.Ile163Met)

Gene: PLD3 (phospholipase D family member 3; plus strand). Cytogenetic location: 19q13.2.
Variant type: single nucleotide variant.
Coding change: c.489C>G on transcript NM_012268.4 (MANE Select); coding-DNA position 489, C replaced by G.
Protein change: p.Ile163Met; replaces isoleucine 163 with methionine.
Molecular consequence: missense variant.
Genome position (GRCh38, 1-based): chr19:40,369,967, C>G. VCF-style: chr19-40369967-C-G. GRCh37 (hg19) VCF-style: chr19-40875874-C-G.
Other names: c.489C>G, p.Ile163Met (NM_001031696.4, NM_001291311.2); short protein forms I163M.
Identifiers: ClinVar variation 3054549 (VCV003054549.2), dbSNP rs200529365, ClinGen allele CA9442749.

ClinVar aggregate classification (germline): Likely benign (0 of 4 stars; one submission).

Conditions:
PLD3-related disorder. Also called: PLD3-related condition.

Allele frequency attached by ClinVar (database versions not stated): ExAC 0.00026; 1000 Genomes Project 30x 0.00078; 1000 Genomes Project 0.00080.
gnomAD v4.1: 112 of 1,561,630 alleles (0.0072%); highest among the groups gnomAD compares: East Asian, 0.24%; no homozygotes.

Submission:

PreventionGenetics, part of Exact Sciences
Classification: Likely benign for PLD3-related condition. Last evaluated: 2023-02-15. Review status: no assertion criteria provided. Collection method: clinical testing. Allele origin: germline.
Comment: This variant is classified as likely benign based on ACMG/AMP sequence variant interpretation guidelines (Richards et al. 2015 PMID: 25741868, with internal and published modifications).